The following is an entry in ClinVar:

ClinVar aggregate classification (germline): Uncertain significance (1 of 4 stars; one submission).

Conditions:
SLC17A8-related disorder. Also called: SLC17A8-related condition.

gnomAD v4.1: 1 of 1,614,094 alleles (0.000062%); highest among the groups gnomAD compares: Non-Finnish European, 0.000085%; no homozygotes.

Submission:

PreventionGenetics, part of Exact Sciences
Classification: Uncertain significance for SLC17A8-related condition. Last evaluated: 2024-10-27. Review status: criteria provided, single submitter. Criteria: ACMG Guidelines, 2015. Collection method: clinical testing. Allele origin: germline.
Comment: The SLC17A8 c.862G>A variant is predicted to result in the amino acid substitution p.Glu288Lys. To our knowledge, this variant has not been reported in the literature or in a large population database (gnomAD), indicating this variant is rare. At this time, the clinical significance of this variant is uncertain due to the absence of conclusive functional and genetic evidence.

NM_139319.3(SLC17A8):c.862G>A (p.Glu288Lys)

Gene: SLC17A8 (solute carrier family 17 member 8; plus strand). Cytogenetic location: 12q23.1.
Variant type: single nucleotide variant.
Coding change: c.862G>A on transcript NM_139319.3 (MANE Select); coding-DNA position 862, G replaced by A.
Protein change: p.Glu288Lys; replaces glutamic acid 288 with lysine.
Molecular consequence: missense variant.
Genome position (GRCh38, 1-based): chr12:100,402,438, G>A. VCF-style: chr12-100402438-G-A. GRCh37 (hg19) VCF-style: chr12-100796216-G-A.
Other names: c.862G>A, p.Glu288Lys (NM_001145288.2); short protein forms E288K.
Identifiers: ClinVar variation 5001471 (VCV005001471.1).